The following is an entry in ClinVar:

NM_001354604.2(MITF):c.1319C>T (p.Ala440Val)

Gene: MITF (melanocyte inducing transcription factor; plus strand). Cytogenetic location: 3p13.
Variant type: single nucleotide variant.
Coding change: c.1319C>T on transcript NM_001354604.2 (MANE Select); coding-DNA position 1319, C replaced by T.
Protein change: p.Ala440Val; replaces alanine 440 with valine.
Molecular consequence: missense variant.
Genome position (GRCh38, 1-based): chr3:69,964,986, C>T. VCF-style: chr3-69964986-C-T. GRCh37 (hg19) VCF-style: chr3-70014137-C-T.
Other names: c.998C>T, p.Ala333Val (NM_000248.4); c.1145C>T, p.Ala382Val (NM_001184967.2, NM_001354608.2); c.1316C>T, p.Ala439Val (NM_001354605.2); c.1298C>T, p.Ala433Val (NM_001354606.2, NM_006722.3); c.1250C>T, p.Ala417Val (NM_001354607.2); c.980C>T, p.Ala327Val (NM_198158.3); c.1301C>T, p.Ala434Val (NM_198159.3); c.1253C>T, p.Ala418Val (NM_198177.3); and 1 more; short protein forms A271V, A327V, A439V, A382V, A418V, A433V, A333V, A440V.
Identifiers: ClinVar variation 4055194 (VCV004055194.1).

ClinVar aggregate classification (germline): Uncertain significance (1 of 4 stars; one submission).

Conditions:
Hereditary cancer-predisposing syndrome. Also called: Neoplastic Syndromes, Hereditary; Tumor predisposition; Hereditary neoplastic syndrome; Hereditary Cancer Syndrome. Identifiers: Orphanet 140162, MedGen C0027672, MeSH D009386, MONDO:0015356.

Submission:

Ambry Genetics
Classification: Uncertain significance for Hereditary cancer-predisposing syndrome. Last evaluated: 2025-04-20. Review status: criteria provided, single submitter. Criteria: Ambry Variant Classification Scheme 2023. Collection method: clinical testing. Allele origin: germline.
Comment: The p.A333V variant (also known as c.998C>T), located in coding exon 9 of the MITF gene, results from a C to T substitution at nucleotide position 998. The alanine at codon 333 is replaced by valine, an amino acid with similar properties. This amino acid position is conserved. In addition, this alteration is predicted to be tolerated by in silico analysis. Based on the available evidence, the clinical significance of this variant remains unclear.